The following is an entry in ClinVar:

NM_000059.4(BRCA2):c.10251T>C (p.Tyr3417=)

Gene: BRCA2 (BRCA2 DNA repair associated; plus strand). Cytogenetic location: 13q13.1.
Variant type: single nucleotide variant.
Coding change: c.10251T>C on transcript NM_000059.4 (MANE Select); coding-DNA position 10251, T replaced by C.
Protein change: p.Tyr3417=; no amino-acid change (tyrosine 3417 retained).
Molecular consequence: synonymous variant.
Genome position (GRCh38, 1-based): chr13:32,398,764, T>C. VCF-style: chr13-32398764-T-C. GRCh37 (hg19) VCF-style: chr13-32972901-T-C.
Other names: 10479T/C.
Identifiers: ClinVar variation 51058 (VCV000051058.19), dbSNP rs80359779, ClinGen allele CA010571.

ClinVar aggregate classification (germline): Likely benign. Review status: reviewed by expert panel (3 of 4 stars). 6 submissions from 6 submitters: Likely benign (1). 5 of the submissions do not count toward it. Last evaluated 2017-06-29.

Conditions:
Hereditary breast ovarian cancer syndrome. Also called: Hereditary breast and ovarian cancer syndrome; Hereditary breast and ovarian cancer; Hereditary breast and ovarian cancer syndrome (HBOC); Breast and ovarian cancer; Hereditary breast and/or ovarian cancer syndrome; BRCA1- and BRCA2-Associated Hereditary Breast and Ovarian Cancer. Identifiers: Orphanet 145, MedGen C0677776, MeSH D061325, MONDO:0003582. Disease mechanism: loss of function.
Breast-ovarian cancer, familial, susceptibility to, 2 (BROVCA2). Also called: BRCA2 Hereditary Breast and Ovarian Cancer. Identifiers: Orphanet 145, MedGen C2675520, MONDO:0012933, OMIM 612555. Disease mechanism: loss of function.
Hereditary cancer-predisposing syndrome. Also called: Neoplastic Syndromes, Hereditary; Tumor predisposition; Hereditary Cancer Syndrome; Hereditary neoplastic syndrome. Identifiers: Orphanet 140162, MedGen C0027672, MeSH D009386, MONDO:0015356.

Allele frequency attached by ClinVar (database versions not stated): gnomAD exomes below 0.00001; TOPMed below 0.00001; gnomAD 0.00001.
gnomAD v4.1: 4 of 1,613,616 alleles (0.00025%); highest among the groups gnomAD compares: Middle Eastern, 0.016%; no homozygotes.

Submissions (6):

Evidence-based Network for the Interpretation of Germline Mutant Alleles (ENIGMA)
Classification: Likely benign for Breast-ovarian cancer, familial, susceptibility to, 2. Last evaluated: 2017-06-29. Review status: reviewed by expert panel. Criteria: ENIGMA BRCA1/2 Classification Criteria (2017-06-29). Collection method: curation. Allele origin: germline.
Comment: Synonymous substitution variant, with low bioinformatic likelihood to result in a splicing aberration (Splicing prior probability 0.02).

Labcorp Genetics (formerly Invitae), Labcorp
Classification: Likely benign for Hereditary breast ovarian cancer syndrome. Last evaluated: 2025-09-08. Review status: criteria provided, single submitter. Criteria: Invitae Variant Classification Sherloc (09022015). Collection method: clinical testing. Allele origin: germline. Not counted in ClinVar's aggregate classification.

Quest Diagnostics Nichols Institute San Juan Capistrano
Classification: Likely benign. Last evaluated: 2020-06-23. Review status: criteria provided, single submitter. Criteria: Quest Diagnostics criteria. Collection method: clinical testing. Allele origin: unknown. Not counted in ClinVar's aggregate classification.

Color Diagnostics, LLC DBA Color Health
Classification: Likely benign for Hereditary cancer-predisposing syndrome. Last evaluated: 2018-08-28. Review status: criteria provided, single submitter. Criteria: ACMG Guidelines, 2015. Collection method: clinical testing. Allele origin: germline. Not counted in ClinVar's aggregate classification.

Ambry Genetics
Classification: Likely benign for Hereditary cancer-predisposing syndrome. Last evaluated: 2015-03-16. Review status: criteria provided, single submitter. Criteria: Ambry Variant Classification Scheme 2023. Collection method: clinical testing. Allele origin: germline. Not counted in ClinVar's aggregate classification.

Breast Cancer Information Core (BIC) (BRCA2)
Classification: Uncertain significance for Breast-ovarian cancer, familial 2. Last evaluated: 1998-08-26. Review status: no assertion criteria provided. Collection method: clinical testing. Allele origin: germline. Affected: yes. Observed: 1 variant allele. Not counted in ClinVar's aggregate classification.